The following is an entry in ClinVar:

ClinVar aggregate classification (germline): Likely pathogenic (1 of 4 stars; one submission).

Conditions:
Treacher Collins syndrome 1 (TCS1). Also called: TCOF1-Related Treacher Collins Syndrome. Identifiers: Orphanet 861, MedGen CN315775, MONDO:0007944, OMIM 154500.

Submission:

Labcorp Genetics (formerly Invitae), Labcorp
Classification: Likely pathogenic for Treacher Collins syndrome 1. Last evaluated: 2023-07-16. Review status: criteria provided, single submitter. Criteria: Invitae Variant Classification Sherloc (09022015). Collection method: clinical testing. Allele origin: germline.
Comment: This variant is not present in population databases (gnomAD no frequency). This sequence change affects a donor splice site in intron 13 of the TCOF1 gene. It is expected to disrupt RNA splicing. Variants that disrupt the donor or acceptor splice site typically lead to a loss of protein function (PMID: 16199547), and loss-of-function variants in TCOF1 are known to be pathogenic (PMID: 8894686, 22317976). This variant has not been reported in the literature in individuals affected with TCOF1-related conditions. In summary, the currently available evidence indicates that the variant is pathogenic, but additional data are needed to prove that conclusively. Therefore, this variant has been classified as Likely Pathogenic. Algorithms developed to predict the effect of sequence changes on RNA splicing suggest that this variant may disrupt the consensus splice site.

Literature cited by the submitters: PubMed 16199547; PubMed 8894686; PubMed 22317976.

NM_001371623.1(TCOF1):c.2142+2T>C

Gene: TCOF1 (treacle ribosome biogenesis factor 1; plus strand). Cytogenetic location: 5q32.
Variant type: single nucleotide variant.
Coding change: c.2142+2T>C on transcript NM_001371623.1 (MANE Select); the canonical splice donor site of the intron after coding-DNA position 2142, T replaced by C.
Molecular consequence: splice donor variant.
Genome position (GRCh38, 1-based): chr5:150,376,332, T>C. VCF-style: chr5-150376332-T-C. GRCh37 (hg19) VCF-style: chr5-149755895-T-C.
Other names: c.2142+2T>C (NM_001135243.2, NM_001135244.2, NM_001195141.2 and 1 more transcripts); c.1911+2T>C (NM_001135245.2, NM_000356.4).
Identifiers: ClinVar variation 2743882 (VCV002743882.3), dbSNP rs2533521583, ClinGen allele CA361753651.
Genomic context (GRCh38, chr5:150,376,332, plus strand): 5'-GCAGTGAGGAATCAGATAGTGAGGAAGAGAAGACAGGTCTTGCAGTAACCGTGGGACAGG[T>C]GAGGCCTGTGTTTTCTGGGCGGGCCTCAGGGCCGCCCCTACGTGGTCCTTTGGACTCCTG-3'